The following is an entry in ClinVar:

NM_001122681.2(SH3BP2):c.353G>A (p.Arg118His)

Gene: SH3BP2 (SH3 domain binding protein 2; plus strand). Cytogenetic location: 4p16.3.
Variant type: single nucleotide variant.
Coding change: c.353G>A on transcript NM_001122681.2 (MANE Select); coding-DNA position 353, G replaced by A.
Protein change: p.Arg118His; replaces arginine 118 with histidine.
Molecular consequence: missense variant.
Genome position (GRCh38, 1-based): chr4:2,824,726, G>A. VCF-style: chr4-2824726-G-A. GRCh37 (hg19) VCF-style: chr4-2826453-G-A.
Other names: c.437G>A, p.Arg146His (NM_001145855.2); c.524G>A, p.Arg175His (NM_001145856.2); c.353G>A, p.Arg118His (NM_003023.4); short protein forms R175H, R118H, R146H.
Identifiers: ClinVar variation 1429219 (VCV001429219.8), dbSNP rs772096716, ClinGen allele CA2819020.

ClinVar aggregate classification (germline): Uncertain significance (1 of 4 stars; one submission).

Conditions:
Fibrous dysplasia of jaw (CRBM). Also called: Cherubism. Identifiers: Orphanet 184, MedGen C0008029, MONDO:0007315, OMIM 118400.

Allele frequency attached by ClinVar (database versions not stated): gnomAD 0.00002 and 0.00001; TOPMed below 0.00001; gnomAD exomes 0.00001.
gnomAD v4.1: 24 of 1,605,114 alleles (0.0015%); highest among the groups gnomAD compares: South Asian, 0.0088%; no homozygotes.

Submission:

Labcorp Genetics (formerly Invitae), Labcorp
Classification: Uncertain significance for Fibrous dysplasia of jaw. Last evaluated: 2025-08-08. Review status: criteria provided, single submitter. Criteria: Invitae Variant Classification Sherloc (09022015). Collection method: clinical testing. Allele origin: germline.
Comment: This sequence change replaces arginine, which is basic and polar, with histidine, which is basic and polar, at codon 118 of the SH3BP2 protein (p.Arg118His). This variant is present in population databases (rs772096716, gnomAD 0.02%). This variant has not been reported in the literature in individuals affected with SH3BP2-related conditions. ClinVar contains an entry for this variant (Variation ID: 1429219). Invitae Evidence Modeling of protein sequence and biophysical properties (such as structural, functional, and spatial information, amino acid conservation, physicochemical variation, residue mobility, and thermodynamic stability) indicates that this missense variant is not expected to disrupt SH3BP2 protein function with a negative predictive value of 95%. In summary, the available evidence is currently insufficient to determine the role of this variant in disease. Therefore, it has been classified as a Variant of Uncertain Significance.